The following is an entry in ClinVar:

NM_003361.4(UMOD):c.335G>A (p.Cys112Tyr)

Gene: UMOD (uromodulin; minus strand). Cytogenetic location: 16p12.3.
Variant type: single nucleotide variant.
Coding change: c.335G>A on transcript NM_003361.4 (MANE Select); coding-DNA position 335, G replaced by A.
Protein change: p.Cys112Tyr; replaces cysteine 112 with tyrosine.
Molecular consequence: missense variant. On other transcripts: non-coding transcript variant (1).
Genome position (GRCh38, 1-based): chr16:20,348,966, C>T on the plus strand (G>A on the coding strand, the complement: UMOD is on the minus strand). VCF-style: chr16-20348966-C-T. GRCh37 (hg19) VCF-style: chr16-20360288-C-T.
Other names: c.335G>A, p.Cys112Tyr (NM_001008389.3, NM_001378232.1, NM_001378233.1 and 3 more transcripts); c.434G>A, p.Cys145Tyr (NM_001278614.2); short protein forms C112Y, C145Y.
Identifiers: ClinVar variation 1312491 (VCV001312491.6), dbSNP rs2141676232, ClinGen allele CA394986458.

ClinVar aggregate classification (germline): Pathogenic/Likely pathogenic. Review status: criteria provided, multiple submitters, no conflicts (2 of 4 stars). 3 submissions from 3 submitters: Pathogenic (1); Likely pathogenic (1). 1 of the submissions does not count toward it. Last evaluated 2023-12-27.

Conditions:
Familial juvenile hyperuricemic nephropathy type 1 (ADTKD1). Also called: UMOD-Associated Kidney Disease; Uromodulin-associated kidney disease; Glomerulocystic kidney disease with hyperuricemia and isosthenuria; Medullary cystic kidney disease 2; Autosomal Dominant Tubulointerstitial Kidney Disease – UMOD. Identifiers: Orphanet 209886, Orphanet 34149, Orphanet 88950, MedGen C4551496, MONDO:0008073, OMIM 162000.
UMOD-related disorder. Also called: UMOD-related condition.

Submissions (3):

Fulgent Genetics
Classification: Pathogenic for Familial juvenile hyperuricemic nephropathy type 1. Last evaluated: 2023-12-27. Review status: criteria provided, single submitter. Criteria: ACMG Guidelines, 2015. Collection method: clinical testing. Allele origin: germline.

Blueprint Genetics
Classification: Likely pathogenic for UMOD-related disorders. Last evaluated: 2023-01-17. Review status: criteria provided, single submitter. Criteria: ACMG Guidelines, 2015. Collection method: clinical testing. Allele origin: germline. Affected: yes. Observed: 1 variant allele.

GeneReviews
No classification provided. Condition: Familial juvenile hyperuricemic nephropathy type 1. Review status: no classification provided. Collection method: literature only. Allele origin: germline. Not counted in ClinVar's aggregate classification.
Comment: Possible association with Early onset of ESRD

Literature cited by the submitters: PubMed 32954071 (cited by GeneReviews).